The following is an entry in ClinVar:

ClinVar aggregate classification (germline): Pathogenic. Review status: criteria provided, multiple submitters, no conflicts (2 of 4 stars). 3 submissions from 3 submitters: Pathogenic (3). Last evaluated 2021-11-03.

Conditions:
Cerebral arteriopathy, autosomal dominant, with subcortical infarcts and leukoencephalopathy, type 2 (CADASIL2). Identifiers: MedGen C4225211, MONDO:0014768, OMIM 616779.

Submissions (3):

Institute for Clinical Genetics, University Hospital TU Dresden, University Hospital TU Dresden
Classification: Pathogenic. Last evaluated: 2021-11-03. Review status: criteria provided, single submitter. Criteria: ACMG Guidelines, 2015. Collection method: clinical testing. Allele origin: germline.

Labcorp Genetics (formerly Invitae), Labcorp
Classification: Pathogenic. Last evaluated: 2021-11-03. Review status: criteria provided, single submitter. Criteria: Invitae Variant Classification Sherloc (09022015). Collection method: clinical testing. Allele origin: germline.
Comment: ClinVar contains an entry for this variant (Variation ID: 523577). For these reasons, this variant has been classified as Pathogenic. This variant is not present in population databases (gnomAD no frequency). This premature translational stop signal has been observed in individual(s) with cerebral small vessel disease (PMID: 29895533). This sequence change creates a premature translational stop signal (p.Gln289*) in the HTRA1 gene. It is expected to result in an absent or disrupted protein product. Loss-of-function variants in HTRA1 are known to be pathogenic (PMID: 19387015, 29895533).

Taipei Veterans General Hospital, Neurological Institute
Classification: Pathogenic for Cerebral arteriopathy, autosomal dominant, with subcortical infarcts and leukoencephalopathy, type 2. Last evaluated: 2018-04-13. Review status: criteria provided, single submitter. Criteria: ACMG Guidelines, 2015. Collection method: clinical testing. Allele origin: germline. Affected: yes.

Literature cited by the submitters: PubMed 29895533 (cited by Labcorp Genetics (formerly Invitae), Labcorp); PubMed 19387015 (cited by Labcorp Genetics (formerly Invitae), Labcorp).

NM_002775.5(HTRA1):c.865C>T (p.Gln289Ter)

Gene: HTRA1 (HtrA serine peptidase 1; plus strand). Cytogenetic location: 10q26.13.
Variant type: single nucleotide variant.
Coding change: c.865C>T on transcript NM_002775.5 (MANE Select); coding-DNA position 865, C replaced by T.
Protein change: p.Gln289Ter; replaces glutamine 289 with a stop codon.
Molecular consequence: nonsense.
Genome position (GRCh38, 1-based): chr10:122,506,778, C>T. VCF-style: chr10-122506778-C-T. GRCh37 (hg19) VCF-style: chr10-124266294-C-T.
Other names: short protein forms Q289*.
Identifiers: ClinVar variation 523577 (VCV000523577.9), dbSNP rs1554952291, ClinGen allele CA378585571.